The following is an entry in ClinVar:

NM_145166.4(ZBTB47):c.2008C>G (p.Arg670Gly)

Gene: ZBTB47 (zinc finger and BTB domain containing 47; plus strand). Cytogenetic location: 3p22.1.
Variant type: single nucleotide variant.
Coding change: c.2008C>G on transcript NM_145166.4 (MANE Select); coding-DNA position 2008, C replaced by G.
Protein change: p.Arg670Gly; replaces arginine 670 with glycine.
Molecular consequence: missense variant.
Genome position (GRCh38, 1-based): chr3:42,664,362, C>G. VCF-style: chr3-42664362-C-G. GRCh37 (hg19) VCF-style: chr3-42705854-C-G.
Other names: c.2092C>G, p.Arg698Gly (NM_001410746.1); short protein forms R670G, R698G.
Identifiers: ClinVar variation 3365716 (VCV003365716.2).

ClinVar aggregate classification (germline): Uncertain significance (1 of 4 stars; one submission).

Submission:

GeneDx
Classification: Uncertain significance. Last evaluated: 2026-05-15. Review status: criteria provided, single submitter. Criteria: GeneDx Variant Classification Process June 2021. Collection method: clinical testing. Allele origin: germline.
Comment: Not observed at significant frequency in large population cohorts (gnomAD); In silico analysis supports that this missense variant has a deleterious effect on protein structure/function; Has not been previously published as pathogenic or benign to our knowledge